The following is an entry in ClinVar:

ClinVar aggregate classification (germline): Pathogenic (1 of 4 stars; one submission).

Conditions:
Hereditary breast ovarian cancer syndrome. Also called: Hereditary breast and ovarian cancer; Hereditary breast and ovarian cancer syndrome (HBOC); Breast and ovarian cancer; Hereditary breast and ovarian cancer syndrome; Hereditary breast and/or ovarian cancer syndrome; BRCA1- and BRCA2-Associated Hereditary Breast and Ovarian Cancer. Identifiers: Orphanet 145, MedGen C0677776, MeSH D061325, MONDO:0003582. Disease mechanism: loss of function.

Submission:

Labcorp Genetics (formerly Invitae), Labcorp
Classification: Pathogenic for Hereditary breast ovarian cancer syndrome. Last evaluated: 2021-02-12. Review status: criteria provided, single submitter. Criteria: Invitae Variant Classification Sherloc (09022015). Collection method: clinical testing. Allele origin: germline.
Comment: This variant is not present in population databases (ExAC no frequency). This sequence change creates a premature translational stop signal (p.Lys906Argfs*8) in the BRCA1 gene. It is expected to result in an absent or disrupted protein product. Loss-of-function variants in BRCA1 are known to be pathogenic (PMID: 20104584). For these reasons, this variant has been classified as Pathogenic. This variant has not been reported in the literature in individuals with BRCA1-related conditions.

Literature cited by the submitters: PubMed 20104584.

NM_007294.4(BRCA1):c.2717_2718del (p.Lys906fs)

Gene: BRCA1 (BRCA1 DNA repair associated; minus strand). Cytogenetic location: 17q21.31.
Variant type: Deletion.
Coding change: c.2717_2718del on transcript NM_007294.4 (MANE Select); coding-DNA positions 2717 to 2718, 2 bases deleted (AG; older notation c.2717_2718delAG).
Protein change: p.Lys906fs; shifts the reading frame from lysine 906.
Molecular consequence: frameshift variant. On other transcripts: intron variant (137).
Genome position (GRCh38, 1-based): chr17:43,092,813-43,092,814, CT deleted on the plus strand (AG on the coding strand, the reverse complement: BRCA1 is on the minus strand). VCF-style (leftmost placement, unchanged base first): chr17-43092812-CCT-C. GRCh37 (hg19) VCF-style: chr17-41244829-CCT-C.
Other names: c.662-1782_662-1781del (NM_001408435.1, NM_001408448.1, NM_001408445.1 and 6 more transcripts); c.785-1782_785-1781del (NM_001408401.1, NM_001408396.1, NM_001407985.1 and 13 more transcripts); c.2717_2718del, p.Lys906fs (NM_001407639.1, NM_001407640.1, NM_001407641.1 and 30 more transcripts); c.2714_2715del, p.Lys905fs (NM_001407644.1, NM_001407645.1, NM_001407860.1 and 22 more transcripts); c.2708_2709del, p.Lys903fs (NM_001407646.1, NM_001407647.1); c.548-1782_548-1781del (NM_001408494.1); c.665-1782_665-1781del (NM_001408444.1, NM_001408438.1, NM_001408430.1 and 12 more transcripts); c.671-1782_671-1781del (NM_001408423.1, NM_001408420.1, NM_001408419.1 and 2 more transcripts); and 41 more; short protein forms K859fs, K906fs, K610fs, K794fs, K817fs, K836fs, K838fs, K864fs.
Identifiers: ClinVar variation 1455805 (VCV001455805.7), dbSNP rs2154363046, ClinGen allele CA2573153997.